The following is an entry in ClinVar:

ClinVar aggregate classification (germline): Likely benign (1 of 4 stars; one submission).

Conditions:
AARSD1-related condition.

gnomAD v4.1: 59 of 1,613,786 alleles (0.0037%); highest among the groups gnomAD compares: East Asian, 0.038%; no homozygotes.

Submission:

PreventionGenetics, part of Exact Sciences
Classification: Likely benign for AARSD1-related condition. Last evaluated: 2026-08-05. Review status: criteria provided, single submitter. Criteria: ACMG Guidelines, 2015. Collection method: clinical testing. Allele origin: germline.
Comment: This variant is classified as likely benign based on ACMG/AMP sequence variant interpretation guidelines (Richards et al. 2015 PMID: 25741868, with internal and published modifications).

NM_001261434.2(AARSD1):c.1221G>A (p.Thr407=)

Genes: AARSD1 (alanyl-tRNA synthetase domain containing 1; minus strand), PTGES3L-AARSD1 (PTGES3L-AARSD1 readthrough; minus strand). Cytogenetic location: 17q21.31.
Variant type: single nucleotide variant.
Coding change: c.1221G>A on transcript NM_001261434.2 (MANE Select); coding-DNA position 1221, G replaced by A.
Protein change: p.Thr407=; no amino-acid change (threonine 407 retained).
Molecular consequence: synonymous variant.
Genome position (GRCh38, 1-based): chr17:42,950,611, C>T on the plus strand (G>A on the coding strand, the complement: AARSD1 is on the minus strand). VCF-style: chr17-42950611-C-T. GRCh37 (hg19) VCF-style: chr17-41102628-C-T.
Other names: c.1743G>A, p.Thr581= (NM_001136042.2); c.1560G>A, p.Thr520= (NM_025267.4).
Identifiers: ClinVar variation 4983480 (VCV004983480.1).